The following is an entry in ClinVar:

NM_177438.3(DICER1):c.4054_4055del (p.Ser1352fs)

Gene: DICER1 (dicer 1, ribonuclease III; minus strand). Cytogenetic location: 14q32.13.
Variant type: Deletion.
Coding change: c.4054_4055del on transcript NM_177438.3 (MANE Select); coding-DNA positions 4054 to 4055, 2 bases deleted (AG; older notation c.4054_4055delAG).
Protein change: p.Ser1352fs; shifts the reading frame from serine 1352.
Molecular consequence: frameshift variant. On other transcripts: non-coding transcript variant (6).
Genome position (GRCh38, 1-based): chr14:95,099,931-95,099,932, CT deleted on the plus strand (AG on the coding strand, the reverse complement: DICER1 is on the minus strand). VCF-style (leftmost placement, unchanged base first): chr14-95099930-GCT-G. GRCh37 (hg19) VCF-style: chr14-95566267-GCT-G.
Other names: c.4054_4055del, p.Ser1352fs (NM_001195573.1, NM_001271282.3, NM_001291628.2 and 12 more transcripts); c.4054_4055delAG, p.Ser1352Glnfs (NM_001395681.1); c.3772_3773del, p.Ser1258fs (NM_001395686.1); c.3649_3650del, p.Ser1217fs (NM_001395687.1, NM_001395688.1, NM_001395689.1 and 2 more transcripts); c.3487_3488del, p.Ser1163fs (NM_001395691.1); c.2371_2372del, p.Ser791fs (NM_001395697.1); short protein forms S1352fs, S1163fs, S1258fs, S791fs, S1217fs.
Identifiers: ClinVar variation 2104016 (VCV002104016.4), dbSNP rs2542603877, ClinGen allele CA2580089218.

ClinVar aggregate classification (germline): Pathogenic (1 of 4 stars; one submission).

Conditions:
DICER1-related tumor predisposition. Also called: DICER1 syndrome; DICER1-related pleuropulmonary blastoma cancer predisposition syndrome. Identifiers: Orphanet 284343, MedGen C3839822, MONDO:0100216.

Submission:

Labcorp Genetics (formerly Invitae), Labcorp
Classification: Pathogenic for DICER1-related tumor predisposition. Last evaluated: 2022-03-27. Review status: criteria provided, single submitter. Criteria: Invitae Variant Classification Sherloc (09022015). Collection method: clinical testing. Allele origin: germline.
Comment: For these reasons, this variant has been classified as Pathogenic. This variant has not been reported in the literature in individuals affected with DICER1-related conditions. This variant is not present in population databases (gnomAD no frequency). This sequence change creates a premature translational stop signal (p.Ser1352Glnfs*3) in the DICER1 gene. It is expected to result in an absent or disrupted protein product. Loss-of-function variants in DICER1 are known to be pathogenic (PMID: 19556464, 21266384).

Literature cited by the submitters: PubMed 19556464; PubMed 21266384.